The following is an entry in ClinVar:

ClinVar aggregate classification (germline): Uncertain significance. Review status: criteria provided, multiple submitters, no conflicts (2 of 4 stars). 2 submissions from 2 submitters: Uncertain significance (2). Last evaluated 2024-09-08.

Conditions:
Inborn genetic diseases. Identifiers: MedGen C0950123, MeSH D030342.

Allele frequency attached by ClinVar (database versions not stated): gnomAD 0.00001; TOPMed 0.00002.

Submissions (2):

Ambry Genetics
Classification: Uncertain significance for Inborn genetic diseases. Last evaluated: 2024-09-08. Review status: criteria provided, single submitter. Criteria: Ambry Variant Classification Scheme 2023. Collection method: clinical testing. Allele origin: germline.

GeneDx
Classification: Uncertain significance. Last evaluated: 2019-07-01. Review status: criteria provided, single submitter. Criteria: GeneDx Variant Classification Process June 2021. Collection method: clinical testing. Allele origin: germline. Affected: yes.
Comment: Not observed in large population cohorts (Lek et al., 2016); In silico analysis, which includes protein predictors and evolutionary conservation, supports a deleterious effect; Has not been previously published as pathogenic or benign to our knowledge

NM_000306.4(POU1F1):c.301G>A (p.Asp101Asn)

Gene: POU1F1 (POU class 1 homeobox 1; minus strand). Cytogenetic location: 3p11.2.
Variant type: single nucleotide variant.
Coding change: c.301G>A on transcript NM_000306.4 (MANE Select); coding-DNA position 301, G replaced by A.
Protein change: p.Asp101Asn; replaces aspartic acid 101 with asparagine.
Molecular consequence: missense variant.
Genome position (GRCh38, 1-based): chr3:87,264,426, C>T on the plus strand (G>A on the coding strand, the complement: POU1F1 is on the minus strand). VCF-style: chr3-87264426-C-T. GRCh37 (hg19) VCF-style: chr3-87313576-C-T.
Other names: c.379G>A, p.Asp127Asn (NM_001122757.3); short protein forms D101N, D127N.
Identifiers: ClinVar variation 1306652 (VCV001306652.3), dbSNP rs976923764, ClinGen allele CA79036905.